The following is an entry in ClinVar:

ClinVar aggregate classification (germline): Uncertain significance (1 of 4 stars; one submission).

Conditions:
Baller-Gerold syndrome (BGS). Also called: CRANIOSYNOSTOSIS WITH RADIAL DEFECTS. Identifiers: Orphanet 1225, MedGen C0265308, MONDO:0009039, OMIM 218600.

Allele frequency attached by ClinVar (database versions not stated): gnomAD exomes below 0.00001; gnomAD 0.00001; TOPMed 0.00001.
gnomAD v4.1: 7 of 1,574,350 alleles (0.00044%); highest among the groups gnomAD compares: East Asian, 0.0047%; no homozygotes.

Submission:

Labcorp Genetics (formerly Invitae), Labcorp
Classification: Uncertain significance for Baller-Gerold syndrome. Last evaluated: 2026-01-28. Review status: criteria provided, single submitter. Criteria: Invitae Variant Classification Sherloc (09022015). Collection method: clinical testing. Allele origin: germline.
Comment: This sequence change replaces arginine, which is basic and polar, with glycine, which is neutral and non-polar, at codon 859 of the RECQL4 protein (p.Arg859Gly). This variant is not present in population databases (gnomAD no frequency). This variant has not been reported in the literature in individuals affected with RECQL4-related conditions. ClinVar contains an entry for this variant (Variation ID: 949209). Invitae Evidence Modeling of protein sequence and biophysical properties (such as structural, functional, and spatial information, amino acid conservation, physicochemical variation, residue mobility, and thermodynamic stability) indicates that this missense variant is not expected to disrupt RECQL4 protein function with a negative predictive value of 80%. In summary, the available evidence is currently insufficient to determine the role of this variant in disease. Therefore, it has been classified as a Variant of Uncertain Significance.

NM_004260.4(RECQL4):c.2575A>G (p.Arg859Gly)

Gene: RECQL4 (RecQ like helicase 4; minus strand). Cytogenetic location: 8q24.3.
Variant type: single nucleotide variant.
Coding change: c.2575A>G on transcript NM_004260.4 (MANE Select); coding-DNA position 2575, A replaced by G.
Protein change: p.Arg859Gly; replaces arginine 859 with glycine.
Molecular consequence: missense variant.
Genome position (GRCh38, 1-based): chr8:144,513,027, T>C on the plus strand (A>G on the coding strand, the complement: RECQL4 is on the minus strand). VCF-style: chr8-144513027-T-C. GRCh37 (hg19) VCF-style: chr8-145738410-T-C.
Other names: short protein forms R859G.
Identifiers: ClinVar variation 949209 (VCV000949209.6), dbSNP rs1268491409, ClinGen allele CA372677004.